The following is an entry in ClinVar:

ClinVar aggregate classification (germline): Uncertain significance (1 of 4 stars; one submission).

gnomAD v4.1: 1 of 1,614,186 alleles (0.000062%); highest among the groups gnomAD compares: Non-Finnish European, 0.000085%; no homozygotes.

Submission:

Labcorp Genetics (formerly Invitae), Labcorp
Classification: Uncertain significance. Last evaluated: 2021-07-13. Review status: criteria provided, single submitter. Criteria: Invitae Variant Classification Sherloc (09022015). Collection method: clinical testing. Allele origin: germline.
Comment: In summary, the available evidence is currently insufficient to determine the role of this variant in disease. Therefore, it has been classified as a Variant of Uncertain Significance. Algorithms developed to predict the effect of missense changes on protein structure and function output the following: SIFT: "Deleterious"; PolyPhen-2: "Benign"; Align-GVGD: "Class C0". The glycine amino acid residue is found in multiple mammalian species, suggesting that this missense change does not adversely affect protein function. These predictions have not been confirmed by published functional studies and their clinical significance is uncertain. This variant has not been reported in the literature in individuals with IGSF10-related conditions. This variant is not present in population databases (ExAC no frequency). This sequence change replaces glutamic acid with glycine at codon 773 of the IGSF10 protein (p.Glu773Gly). The glutamic acid residue is moderately conserved and there is a moderate physicochemical difference between glutamic acid and glycine.

NM_178822.5(IGSF10):c.2318A>G (p.Glu773Gly)

Gene: IGSF10 (immunoglobulin superfamily member 10; minus strand). Cytogenetic location: 3q25.1.
Variant type: single nucleotide variant.
Coding change: c.2318A>G on transcript NM_178822.5 (MANE Select); coding-DNA position 2318, A replaced by G.
Protein change: p.Glu773Gly; replaces glutamic acid 773 with glycine.
Molecular consequence: missense variant.
Genome position (GRCh38, 1-based): chr3:151,447,663, T>C on the plus strand (A>G on the coding strand, the complement: IGSF10 is on the minus strand). VCF-style: chr3-151447663-T-C. GRCh37 (hg19) VCF-style: chr3-151165451-T-C.
Other names: c.2318A>G, p.Glu773Gly (NM_001385060.1, NM_001385061.1, NM_001385062.1 and 1 more transcripts); short protein forms E773G.
Identifiers: ClinVar variation 1355605 (VCV001355605.8), dbSNP rs1189118696, ClinGen allele CA355000488.
Genomic context (GRCh38, chr3:151,447,663, plus strand): 5'-TCTTCACCAGGTATGTTTGGGAGTTGGGTGACCACTGGGGGTGGGCTCACTGTGGTATTT[T>C]CTCGCTTGTCTGGCATAGCATTCTTTTTAGCTTTCTCCAACAGTGCCGCCCAATGTTGTG-3'
Protein context (NP_849144.2, residues 763-783): AKKNAMPDKR[Glu773Gly]NTTVSPPPVV